The following is an entry in ClinVar:

NM_206943.4(LTBP1):c.4271-4G>A

Gene: LTBP1 (latent transforming growth factor beta binding protein 1; plus strand). Cytogenetic location: 2p22.3.
Variant type: single nucleotide variant.
Coding change: c.4271-4G>A on transcript NM_206943.4 (MANE Select); 4 bases into the intron before coding-DNA position 4271, G replaced by A.
Molecular consequence: intron variant.
Genome position (GRCh38, 1-based): chr2:33,363,386, G>A. VCF-style: chr2-33363386-G-A. GRCh37 (hg19) VCF-style: chr2-33588453-G-A.
Other names: c.4112-4G>A (NM_001394905.1); c.3050-4G>A (NM_001394916.1); c.3293-4G>A (NM_000627.4); c.3149-4G>A (NM_001394912.1); c.3167-4G>A (NM_001166264.2, NM_001394909.1); c.3023-4G>A (NM_001394918.1); c.3173-4G>A (NM_001394908.1); c.3041-4G>A (NM_001394917.1); and 13 more.
Identifiers: ClinVar variation 5038974 (VCV005038974.1).

ClinVar aggregate classification (germline): Likely benign (1 of 4 stars; one submission).

gnomAD v4.1: 298 of 1,612,660 alleles (0.018%); highest among the groups gnomAD compares: East Asian, 0.58%; 5 homozygotes.

Submission:

CeGaT Center for Human Genetics Tuebingen
Classification: Likely benign. Last evaluated: 2026-07-01. Review status: criteria provided, single submitter. Criteria: CeGaT Center For Human Genetics Tuebingen Variant Classification Criteria Version 2. Collection method: clinical testing. Allele origin: germline. Affected: yes. Observed: 1 variant allele.
Comment: LTBP1: BP4